The following is an entry in ClinVar:

ClinVar aggregate classification (germline): Pathogenic (1 of 4 stars; one submission).

Conditions:
DICER1-related tumor predisposition. Also called: DICER1 syndrome; DICER1-related pleuropulmonary blastoma cancer predisposition syndrome. Identifiers: Orphanet 284343, MedGen C3839822, MONDO:0100216.

Submission:

Labcorp Genetics (formerly Invitae), Labcorp
Classification: Pathogenic for DICER1-related tumor predisposition. Last evaluated: 2018-04-10. Review status: criteria provided, single submitter. Criteria: Invitae Variant Classification Sherloc (09022015). Collection method: clinical testing. Allele origin: germline.
Comment: This variant is a gross deletion of the genomic region encompassing part of exon 24 of the DICER1 gene including exon 24-intron 24 boundary (c.5261_5364+79del). This is expected to create a premature translational stop signal and result in an absent or disrupted protein product. This variant is not present in population databases (ExAC no frequency). Similar partial deletions have not been reported in the literature in individuals with DICER1-related disease. Loss-of-function variants in DICER1 are known to be pathogenic (PMID: 19556464, 21266384). For these reasons, this variant has been classified as Pathogenic.

Literature cited by the submitters: PubMed 19556464; PubMed 21266384.

NM_177438.3(DICER1):c.5261_5364+79del

Gene: DICER1 (dicer 1, ribonuclease III; minus strand). Cytogenetic location: 14q32.13.
Variant type: Deletion.
Coding change: c.5261_5364+79del on transcript NM_177438.3 (MANE Select); coding-DNA position 5261 through 79 bases into the intron after coding-DNA position 5364, 183 bases deleted.
Molecular consequence: splice donor variant.
Genome position (GRCh38, 1-based): chr14:95,093,809-95,093,991, 183 bases deleted. GRCh37 (hg19): chr14:95,560,147-95,560,329.
Other names: c.5261_5364+79delACCACAAGTACTTCAAAGCTGTCTCTCCTGAGCTCTTCCATGTCATTGATGACTTTGTGCAGTTTCAGCTTGAGAAGAATGAAATGCAAGGAATGGATTCTGAGGTTAGTGCTGTTCAAAACGATGTTGAAAAAAGTGGTCTAACTAGGAGTCTCTGTAGTTTCAGAGTTCTGACGGCATAGT (NM_177438.2); c.5261_5364+79del (NM_001291628.2, NM_030621.4, NM_001271282.3 and 1 more transcripts).
Identifiers: ClinVar variation 580813 (VCV000580813.10), dbSNP rs1566749829, ClinGen allele CA891843812.